The following is an entry in ClinVar:

NM_013451.4(MYOF):c.4402G>A (p.Gly1468Arg)

Gene: MYOF (myoferlin; minus strand). Cytogenetic location: 10q23.33.
Variant type: single nucleotide variant.
Coding change: c.4402G>A on transcript NM_013451.4 (MANE Select); coding-DNA position 4402, G replaced by A.
Protein change: p.Gly1468Arg; replaces glycine 1468 with arginine.
Molecular consequence: missense variant.
Genome position (GRCh38, 1-based): chr10:93,337,850, C>T on the plus strand (G>A on the coding strand, the complement: MYOF is on the minus strand). VCF-style: chr10-93337850-C-T. GRCh37 (hg19) VCF-style: chr10-95097607-C-T.
Other names: c.4363G>A, p.Gly1455Arg (NM_133337.3); short protein forms G1455R, G1468R.
Identifiers: ClinVar variation 2393297 (VCV002393297.4), dbSNP rs767025864, ClinGen allele CA5607065.

ClinVar aggregate classification (germline): Uncertain significance. Review status: criteria provided, multiple submitters, no conflicts (2 of 4 stars). 2 submissions from 2 submitters: Uncertain significance (2). Last evaluated 2025-08-20.

Conditions:
Angioedema, hereditary, 7. Identifiers: MedGen C5543526, MONDO:0025713, OMIM 619366.

Allele frequency attached by ClinVar (database versions not stated): gnomAD exomes 0.00005; gnomAD 0.00007; TOPMed 0.00007; ExAC 0.00009.
gnomAD v4.1: 80 of 1,613,906 alleles (0.005%); highest among the groups gnomAD compares: East Asian, 0.0089%; no homozygotes.

Submissions (2):

Ambry Genetics
Classification: Uncertain significance. Last evaluated: 2025-08-20. Review status: criteria provided, single submitter. Criteria: Ambry Variant Classification Scheme 2023. Collection method: clinical testing. Allele origin: germline.

Institute of Immunology and Genetics Kaiserslautern
Classification: Uncertain significance for Angioedema, hereditary, 7. Last evaluated: 2025-06-04. Review status: criteria provided, single submitter. Criteria: ACMG Guidelines, 2015. Collection method: clinical testing. Allele origin: germline. Affected: yes.
Comment: ACMG Criteria: PM2; Variant was found in heterozygous state.